The following is an entry in ClinVar:

ClinVar aggregate classification (germline): Likely pathogenic (1 of 4 stars; one submission).

Conditions:
Renal hypodysplasia/aplasia 3 (RHDA3). Identifiers: MedGen C4540497, MONDO:0024520, OMIM 617805.

Submission:

Juno Genomics, Hangzhou Juno Genomics, Inc
Classification: Likely pathogenic for Renal hypodysplasia/aplasia 3. Review status: criteria provided, single submitter. Criteria: ACMG Guidelines, 2015. Collection method: clinical testing. Allele origin: germline.
Comment: Null variant in a gene where loss of function (LOF) is a known mechanism of disease.;Absent from controls (or at extremely low frequency if recessive) in Genome Aggregation Database.

NM_001142966.3(GREB1L):c.696del (p.Ile233fs)

Genes: GREB1L (GREB1 like retinoic acid receptor coactivator; plus strand), GREB1L-AS1 (GREB1L antisense RNA 1; minus strand). Cytogenetic location: 18q11.1.
Variant type: Deletion.
Coding change: c.696del on transcript NM_001142966.3 (MANE Select); coding-DNA position 696, one base deleted (T; older notation c.696delT).
Protein change: p.Ile233fs; shifts the reading frame from isoleucine 233.
Molecular consequence: frameshift variant.
Genome position (GRCh38, 1-based): chr18:21,401,313, T deleted; the last of 2 consecutive T bases (chr18:21,401,312-21,401,313); deleting either gives the same sequence. VCF-style (leftmost placement, unchanged base first): chr18-21401311-CT-C. GRCh37 (hg19) VCF-style: chr18-18981272-CT-C.
Other names: c.696del, p.Ile233fs (NM_001410867.1, NM_001410868.1); short protein forms I233fs.
Identifiers: ClinVar variation 5005862 (VCV005005862.2).